The following is an entry in ClinVar:

ClinVar aggregate classification (germline): Likely benign. Review status: criteria provided, single submitter (1 of 4 stars). 2 submissions from 2 submitters: Likely benign (1). 1 of the submissions does not count toward it. Last evaluated 2025-06-12.

Conditions:
NUP62-related disorder. Also called: NUP62-related condition.

Allele frequency attached by ClinVar (database versions not stated): ESP Exome Variant Server 0.00161; ExAC 0.00030; 1000 Genomes Project 0.00060; 1000 Genomes Project 30x 0.00062; TOPMed 0.00114; gnomAD exomes 0.00010 and 0.00027; gnomAD 0.00086 and 0.00098.
gnomAD v4.1: 282 of 1,614,000 alleles (0.017%); highest among the groups gnomAD compares: African/African-American, 0.33%; 1 homozygote.

Submissions (2):

Labcorp Genetics (formerly Invitae), Labcorp
Classification: Likely benign. Last evaluated: 2025-06-12. Review status: criteria provided, single submitter. Criteria: Invitae Variant Classification Sherloc (09022015). Collection method: clinical testing. Allele origin: germline.

PreventionGenetics, part of Exact Sciences
Classification: Likely benign for NUP62-related condition. Last evaluated: 2022-03-28. Review status: no assertion criteria provided. Collection method: clinical testing. Allele origin: germline. Not counted in ClinVar's aggregate classification.
Comment: This variant is classified as likely benign based on ACMG/AMP sequence variant interpretation guidelines (Richards et al. 2015 PMID: 25741868, with internal and published modifications).

NM_016553.5(NUP62):c.494C>T (p.Thr165Met)

Genes: IL4I1 (interleukin 4 induced 1; minus strand), NUP62 (nucleoporin 62; minus strand). Cytogenetic location: 19q13.33.
Variant type: single nucleotide variant.
Coding change: c.494C>T on transcript NM_016553.5 (MANE Select); coding-DNA position 494, C replaced by T.
Protein change: p.Thr165Met; replaces threonine 165 with methionine.
Molecular consequence: missense variant. On other transcripts: intron variant (3).
Genome position (GRCh38, 1-based): chr19:49,909,314, G>A on the plus strand (C>T on the coding strand, the complement: NUP62 is on the minus strand). VCF-style: chr19-49909314-G-A. GRCh37 (hg19) VCF-style: chr19-50412571-G-A.
Other names: c.494C>T, p.Thr165Met (NM_001193357.2, NM_012346.5, NM_153718.4 and 1 more transcripts); c.-227-4993C>T (NM_001258017.2, NM_172374.3); c.-285-4993C>T (NM_001258018.2); short protein forms T165M.
Identifiers: ClinVar variation 724124 (VCV000724124.11), dbSNP rs138821729, ClinGen allele CA9589130.